The following is an entry in ClinVar:

ClinVar aggregate classification (germline): Uncertain significance (1 of 4 stars; one submission).

Submission:

Women's Health and Genetics/Laboratory Corporation of America, LabCorp
Classification: Uncertain significance. Last evaluated: 2023-08-24. Review status: criteria provided, single submitter. Criteria: LabCorp Variant Classification Summary - May 2015. Collection method: clinical testing. Allele origin: germline.
Comment: Variant summary: USH2A c.1723T>A (p.Cys575Ser) results in a non-conservative amino acid change located in the Laminin-type EGF domain (IPR002049) of the encoded protein sequence. Five of five in-silico tools predict a damaging effect of the variant on protein function. The variant was absent in 251334 control chromosomes. c.1723T>A has been reported in the literature in individuals affected with Usher Syndrome (Sun_2018). Additionally, another missense variant at the same residue, c.1724G>A (p.Cys575Tyr) has been classified as pathogenic in ClinVar, supporting the functional importance of this residue of the protein. To our knowledge, no experimental evidence demonstrating an impact on protein function has been reported. The following publication have been ascertained in the context of this evaluation (PMID: 29625443). No submitters have cited clinical-significance assessments for this variant to ClinVar after 2014. Based on the evidence outlined above, the variant was classified as VUS-possibly pathogenic.

Literature cited by the submitters: PubMed 29625443.

NM_206933.4(USH2A):c.1723T>A (p.Cys575Ser)

Gene: USH2A (usherin; minus strand). Cytogenetic location: 1q41.
Variant type: single nucleotide variant.
Coding change: c.1723T>A on transcript NM_206933.4 (MANE Select); coding-DNA position 1723, T replaced by A.
Protein change: p.Cys575Ser; replaces cysteine 575 with serine.
Molecular consequence: missense variant.
Genome position (GRCh38, 1-based): chr1:216,292,292, A>T on the plus strand (T>A on the coding strand, the complement: USH2A is on the minus strand). VCF-style: chr1-216292292-A-T. GRCh37 (hg19) VCF-style: chr1-216465634-A-T.
Other names: c.1723T>A, p.Cys575Ser (NM_007123.6); short protein forms C575S.
Identifiers: ClinVar variation 2581361 (VCV002581361.1), dbSNP rs1202154585, ClinGen allele CA344903259.